The following is an entry in ClinVar:

ClinVar aggregate classification (germline): Uncertain significance. Review status: criteria provided, multiple submitters, no conflicts (2 of 4 stars). 2 submissions from 2 submitters: Uncertain significance (2). Last evaluated 2024-05-09.

Conditions:
Generalized epilepsy with febrile seizures plus, type 7 (GEFSP7). Also called: GEFS+, TYPE 7. Identifiers: Orphanet 36387, MedGen C2751778, MONDO:0013470, OMIM 613863.
Neuropathy, hereditary sensory and autonomic, type 2A (HSAN2A). Also called: WNK1-Related HSAN2 (HSAN2A); HSAN IIA; MORVAN DISEASE; NEUROPATHY, CONGENITAL SENSORY; NEUROPATHY, HEREDITARY SENSORY RADICULAR, AUTOSOMAL RECESSIVE; NEUROPATHY, HEREDITARY SENSORY, TYPE IIA. Identifiers: Orphanet 970, MedGen C2752089, MONDO:0024309, OMIM 201300.

Allele frequency attached by ClinVar (database versions not stated): gnomAD exomes below 0.00001; ExAC 0.00001.
gnomAD v4.1: 1 of 1,613,968 alleles (0.000062%); highest among the groups gnomAD compares: Non-Finnish European, 0.000085%; no homozygotes.

Submissions (2):

Labcorp Genetics (formerly Invitae), Labcorp
Classification: Uncertain significance for Neuropathy, hereditary sensory and autonomic, type 2A; Generalized epilepsy with febrile seizures plus, type 7. Last evaluated: 2024-05-09. Review status: criteria provided, single submitter. Criteria: Invitae Variant Classification Sherloc (09022015). Collection method: clinical testing. Allele origin: germline.
Comment: This sequence change replaces glycine, which is neutral and non-polar, with serine, which is neutral and polar, at codon 586 of the SCN9A protein (p.Gly586Ser). This variant is present in population databases (rs754646586, gnomAD 0.0009%). This missense change has been observed in individual(s) with clinical features of SCN9A-related conditions (Invitae). ClinVar contains an entry for this variant (Variation ID: 964904). Advanced modeling of protein sequence and biophysical properties (such as structural, functional, and spatial information, amino acid conservation, physicochemical variation, residue mobility, and thermodynamic stability) performed at Invitae indicates that this missense variant is not expected to disrupt SCN9A protein function with a negative predictive value of 95%. In summary, the available evidence is currently insufficient to determine the role of this variant in disease. Therefore, it has been classified as a Variant of Uncertain Significance.

GeneDx
Classification: Uncertain significance. Last evaluated: 2020-01-27. Review status: criteria provided, single submitter. Criteria: GeneDx Variant Classification Process June 2021. Collection method: clinical testing. Allele origin: germline. Affected: yes.
Comment: Not observed at a significant frequency in large population cohorts (Lek et al., 2016); In silico analysis, which includes protein predictors and evolutionary conservation, supports that this variant does not alter protein structure/function; Has not been previously published as pathogenic or benign to our knowledge

NM_001365536.1(SCN9A):c.1756G>A (p.Gly586Ser)

Genes: SCN1A-AS1 (SCN1A and SCN9A antisense RNA 1; plus strand), SCN9A (sodium voltage-gated channel alpha subunit 9; minus strand). Cytogenetic location: 2q24.3.
Variant type: single nucleotide variant.
Coding change: c.1756G>A on transcript NM_001365536.1 (MANE Select); coding-DNA position 1756, G replaced by A.
Protein change: p.Gly586Ser; replaces glycine 586 with serine.
Molecular consequence: missense variant.
Genome position (GRCh38, 1-based): chr2:166,284,671, C>T on the plus strand (G>A on the coding strand, the complement: SCN9A is on the minus strand). VCF-style: chr2-166284671-C-T. GRCh37 (hg19) VCF-style: chr2-167141181-C-T.
Other names: c.1756G>A, p.Gly586Ser (NM_002977.4); short protein forms G586S.
Identifiers: ClinVar variation 964904 (VCV000964904.11), dbSNP rs754646586, ClinGen allele CA1944436.